The following is an entry in ClinVar:

ClinVar aggregate classification (germline): Uncertain significance (1 of 4 stars; one submission).

Conditions:
TUB-related disorder. Also called: TUB-related condition.

gnomAD v4.1: 3 of 1,614,004 alleles (0.00019%); highest among the groups gnomAD compares: Non-Finnish European, 0.00017%; no homozygotes.

Submission:

PreventionGenetics, part of Exact Sciences
Classification: Uncertain significance for TUB-related condition. Last evaluated: 2026-02-17. Review status: criteria provided, single submitter. Criteria: ACMG Guidelines, 2015. Collection method: clinical testing. Allele origin: germline.
Comment: The TUB c.1307G>A variant is predicted to result in the amino acid substitution p.Gly436Glu. To our knowledge, this variant has not been reported in the literature. This variant is reported in 0.0046% of alleles in individuals of European (Finnish) descent in gnomAD. At this time, the clinical significance of this variant is uncertain due to the absence of conclusive functional and genetic evidence.

NM_177972.3(TUB):c.1142G>A (p.Gly381Glu)

Genes: RIC3 (RIC3 acetylcholine receptor chaperone; minus strand), TUB (TUB bipartite transcription factor; plus strand). Cytogenetic location: 11p15.4.
Variant type: single nucleotide variant.
Coding change: c.1142G>A on transcript NM_177972.3 (MANE Select); coding-DNA position 1142, G replaced by A.
Protein change: p.Gly381Glu; replaces glycine 381 with glutamic acid.
Molecular consequence: missense variant.
Genome position (GRCh38, 1-based): chr11:8,100,528, G>A. VCF-style: chr11-8100528-G-A. GRCh37 (hg19) VCF-style: chr11-8122075-G-A.
Other names: c.1160G>A, p.Gly387Glu (NM_001440538.1, NM_001440539.1); c.992G>A, p.Gly331Glu (NM_001440540.1, NM_001440542.1); c.974G>A, p.Gly325Glu (NM_001440541.1); c.1307G>A, p.Gly436Glu (NM_003320.5); short protein forms G381E, G387E, G325E, G331E, G436E.
Identifiers: ClinVar variation 5002003 (VCV005002003.1).
Genomic context (GRCh38, chr11:8,100,528, plus strand): 5'-GCCTCAGGTGGCCAGTGTTGCGTTCTCTTTCCCAGGAGACAAACGTCTTAGGCTTCAAGG[G>A]GCCTCGGAAGATGAGCGTGATTGTCCCAGGCATGAACATGGTTCATGAGAGAGTCTCTAT-3'
Protein context (NP_813977.1, residues 371-391): CYETNVLGFK[Gly381Glu]PRKMSVIVPG